The following is an entry in ClinVar:

NM_001244008.2(KIF1A):c.1950-3C>T

Gene: KIF1A (kinesin family member 1A; minus strand). Cytogenetic location: 2q37.3.
Variant type: single nucleotide variant.
Coding change: c.1950-3C>T on transcript NM_001244008.2 (MANE Select); 3 bases into the intron before coding-DNA position 1950, C replaced by T.
Molecular consequence: intron variant.
Genome position (GRCh38, 1-based): chr2:240,763,094, G>A on the plus strand (C>T on the coding strand, the complement: KIF1A is on the minus strand). VCF-style: chr2-240763094-G-A. GRCh37 (hg19) VCF-style: chr2-241702511-G-A.
Other names: c.1923-3C>T (NM_001379653.1, NM_001379650.1, NM_001379645.1 and 10 more transcripts); c.2025-3C>T (NM_001379635.1, NM_001330290.2, NM_001379646.1 and 2 more transcripts); c.1998-3C>T (NM_001379637.1, NM_001379648.1); c.1950-3C>T (NM_001320705.2, NM_001379638.1, NM_001330289.2).
Identifiers: ClinVar variation 648349 (VCV000648349.9), dbSNP rs778033896, ClinGen allele CA2208232.

ClinVar aggregate classification (germline): Uncertain significance. Review status: criteria provided, multiple submitters, no conflicts (2 of 4 stars). 2 submissions from 2 submitters: Uncertain significance (2). Last evaluated 2025-08-18.

Conditions:
Neuropathy, hereditary sensory, type 2C. Also called: KIF1A-Related HSAN2 (HSAN2C); Hereditary sensory and autonomic neuropathy type IIC. Identifiers: Orphanet 970, MedGen C3280168, MONDO:0013634, OMIM 614213.
Intellectual disability, autosomal dominant 9 (NESCAVS). Also called: NESCAV SYNDROME; KIF1A-Related Neurodevelopmental Disorder. Identifiers: Orphanet 662367, MedGen C5393830, MONDO:0013656, OMIM 614255.
Hereditary spastic paraplegia 30. Identifiers: Orphanet 101010, MedGen C5235139, MONDO:0012476.
Inborn genetic diseases. Identifiers: MedGen C0950123, MeSH D030342.

Allele frequency attached by ClinVar (database versions not stated): ExAC below 0.00001; gnomAD exomes below 0.00001; gnomAD 0.00001; TOPMed 0.00001.
gnomAD v4.1: 7 of 1,587,422 alleles (0.00044%); highest among the groups gnomAD compares: Middle Eastern, 0.038%; no homozygotes.

Submissions (2):

Labcorp Genetics (formerly Invitae), Labcorp
Classification: Uncertain significance for Hereditary spastic paraplegia 30; Neuropathy, hereditary sensory, type 2C; Intellectual disability, autosomal dominant 9. Last evaluated: 2025-08-18. Review status: criteria provided, single submitter. Criteria: Invitae Variant Classification Sherloc (09022015). Collection method: clinical testing. Allele origin: germline.
Comment: This sequence change falls in intron 19 of the KIF1A gene. It does not directly change the encoded amino acid sequence of the KIF1A protein. It affects a nucleotide within the consensus splice site. This variant is not present in population databases (gnomAD no frequency). This variant has not been reported in the literature in individuals affected with KIF1A-related conditions. ClinVar contains an entry for this variant (Variation ID: 648349). Variants that disrupt the consensus splice site are a relatively common cause of aberrant splicing (PMID: 17576681, 9536098). Algorithms developed to predict the effect of sequence changes on RNA splicing suggest that this variant is not likely to affect RNA splicing. In summary, the available evidence is currently insufficient to determine the role of this variant in disease. Therefore, it has been classified as a Variant of Uncertain Significance.

Ambry Genetics
Classification: Uncertain significance for Inborn genetic diseases. Last evaluated: 2019-11-25. Review status: criteria provided, single submitter. Criteria: Ambry Variant Classification Scheme 2023. Collection method: clinical testing. Allele origin: germline.
Comment: The c.1950-3C>T intronic variant results from a C to T substitution 3 nucleotides upstream from coding exon 21 in the KIF1A gene. This nucleotide position is well conserved in available vertebrate species. Using the BDGP and ESEfinder splice site prediction tools, this alteration is not predicted to have any significant effect on this splice acceptor site; however, direct evidence is unavailable. Since supporting evidence is limited at this time, the clinical significance of this alteration remains unclear.

Literature cited by the submitters: PubMed 17576681 (cited by Labcorp Genetics (formerly Invitae), Labcorp); PubMed 9536098 (cited by Labcorp Genetics (formerly Invitae), Labcorp).